The following is an entry in ClinVar:

NM_172364.5(CACNA2D4):c.2996-8_2997del

Gene: CACNA2D4 (calcium voltage-gated channel auxiliary subunit alpha2delta 4; minus strand). Cytogenetic location: 12p13.33.
Variant type: Deletion.
Coding change: c.2996-8_2997del on transcript NM_172364.5 (MANE Select); 8 bases into the intron before coding-DNA position 2996 through coding-DNA position 2997, 10 bases deleted (GCCCGCAGCC; older notation c.2996-8_2997delGCCCGCAGCC).
Molecular consequence: splice acceptor variant.
Genome position (GRCh38, 1-based): chr12:1,797,534-1,797,543, GGCTGCGGGC deleted on the plus strand (GCCCGCAGCC on the coding strand, the reverse complement: CACNA2D4 is on the minus strand); deleting any 10 consecutive bases within chr12:1,797,534-1,797,545 gives the same sequence; the c. name uses the placement nearest the transcript's 3' end. VCF-style (leftmost placement, unchanged base first): chr12-1797533-GGGCTGCGGGC-G. GRCh37 (hg19) VCF-style: chr12-1906699-GGGCTGCGGGC-G.
Identifiers: ClinVar variation 938357 (VCV000938357.7), dbSNP rs1863171497, ClinGen allele CA1139662462.

ClinVar aggregate classification (germline): Uncertain significance (1 of 4 stars; one submission).

Submission:

Labcorp Genetics (formerly Invitae), Labcorp
Classification: Uncertain significance. Last evaluated: 2022-03-10. Review status: criteria provided, single submitter. Criteria: Invitae Variant Classification Sherloc (09022015). Collection method: clinical testing. Allele origin: germline.
Comment: This variant results in the deletion of part of exon 35 (c.2996-8_2997del) of the CACNA2D4 gene. It is expected to disrupt RNA splicing. Variants that disrupt the donor or acceptor splice site typically lead to a loss of protein function (PMID: 16199547), however the current clinical and genetic evidence is not sufficient to establish whether loss-of-function variants in CACNA2D4 cause disease. This variant is not present in population databases (gnomAD no frequency). This variant has not been reported in the literature in individuals affected with CACNA2D4-related conditions. ClinVar contains an entry for this variant (Variation ID: 938357). Algorithms developed to predict the effect of sequence changes on RNA splicing suggest that this variant may disrupt the consensus splice site. In summary, the available evidence is currently insufficient to determine the role of this variant in disease. Therefore, it has been classified as a Variant of Uncertain Significance.

Literature cited by the submitters: PubMed 16199547.